The following is an entry in ClinVar:

ClinVar aggregate classification (germline): Uncertain significance (1 of 4 stars; one submission).

Conditions:
Hermansky-Pudlak syndrome 2 (HPS2). Also called: Platelet defects and oculocutaneous albinism. Identifiers: Orphanet 183678, Orphanet 79430, MedGen C1842362, MONDO:0011997, OMIM 608233.

gnomAD v4.1: 6 of 1,613,492 alleles (0.00037%); highest among the groups gnomAD compares: Non-Finnish European, 0.00051%; no homozygotes.

Submission:

Labcorp Genetics (formerly Invitae), Labcorp
Classification: Uncertain significance for Hermansky-Pudlak syndrome 2. Last evaluated: 2025-05-18. Review status: criteria provided, single submitter. Criteria: Invitae Variant Classification Sherloc (09022015). Collection method: clinical testing. Allele origin: germline.
Comment: This sequence change replaces isoleucine, which is neutral and non-polar, with valine, which is neutral and non-polar, at codon 570 of the AP3B1 protein (p.Ile570Val). This variant is not present in population databases (gnomAD no frequency). This variant has not been reported in the literature in individuals affected with AP3B1-related conditions. An algorithm developed to predict the effect of missense changes on protein structure and function (PolyPhen-2) suggests that this variant is likely to be tolerated. In summary, the available evidence is currently insufficient to determine the role of this variant in disease. Therefore, it has been classified as a Variant of Uncertain Significance.

NM_003664.5(AP3B1):c.1708A>G (p.Ile570Val)

Gene: AP3B1 (adaptor related protein complex 3 subunit beta 1; minus strand). Cytogenetic location: 5q14.1.
Variant type: single nucleotide variant.
Coding change: c.1708A>G on transcript NM_003664.5 (MANE Select); coding-DNA position 1708, A replaced by G.
Protein change: p.Ile570Val; replaces isoleucine 570 with valine.
Molecular consequence: missense variant.
Genome position (GRCh38, 1-based): chr5:78,129,250, T>C on the plus strand (A>G on the coding strand, the complement: AP3B1 is on the minus strand). VCF-style: chr5-78129250-T-C. GRCh37 (hg19) VCF-style: chr5-77425074-T-C.
Other names: c.1561A>G, p.Ile521Val (NM_001271769.2); c.1708A>G, p.Ile570Val (NM_001410752.1); short protein forms I521V, I570V.
Identifiers: ClinVar variation 4738958 (VCV004738958.1).
Genomic context (GRCh38, chr5:78,129,250, plus strand): 5'-AAGCTCCACTCTTTACATTCGGAACAATAAGCTGCCTAATAAATCTTGTACGGTCTCTGA[T>C]GTCGTAGTTTTGATCATACTTGCCGAGATTTAATATGTACTGGGTAAGCAATTTTGTCTG-3'
Protein context (NP_003655.3, residues 560-580): NLGKYDQNYD[Ile570Val]RDRTRFIRQL